The following is an entry in ClinVar:

ClinVar aggregate classification (germline): Pathogenic. Review status: reviewed by expert panel (3 of 4 stars). 4 submissions from 4 submitters: Pathogenic (1). 3 of the submissions do not count toward it. Last evaluated 2017-12-15.

Conditions:
Hereditary cancer-predisposing syndrome. Also called: Hereditary Cancer Syndrome; Neoplastic Syndromes, Hereditary; Hereditary neoplastic syndrome; Tumor predisposition. Identifiers: Orphanet 140162, MedGen C0027672, MeSH D009386, MONDO:0015356.
Hereditary breast ovarian cancer syndrome. Also called: Hereditary breast and ovarian cancer syndrome (HBOC); Breast and ovarian cancer; Hereditary breast and ovarian cancer syndrome; Hereditary breast and ovarian cancer; BRCA1- and BRCA2-Associated Hereditary Breast and Ovarian Cancer; Hereditary breast and/or ovarian cancer syndrome. Identifiers: Orphanet 145, MedGen C0677776, MeSH D061325, MONDO:0003582. Disease mechanism: loss of function.
Breast-ovarian cancer, familial, susceptibility to, 1 (BROVCA1). Also called: BRCA1 Hereditary Breast and Ovarian Cancer; OVARIAN CANCER, SUSCEPTIBILITY TO. Identifiers: Orphanet 145, MedGen C2676676, MONDO:0011450, OMIM 604370. Disease mechanism: loss of function.

Submissions (4):

Evidence-based Network for the Interpretation of Germline Mutant Alleles (ENIGMA)
Classification: Pathogenic for Breast-ovarian cancer, familial, susceptibility to, 1. Last evaluated: 2017-12-15. Review status: reviewed by expert panel. Criteria: ENIGMA BRCA1/2 Classification Criteria (2017-06-29). Collection method: curation. Allele origin: germline. Study: ENIGMA.
Comment: Variant allele predicted to encode a truncated non-functional protein.

Labcorp Genetics (formerly Invitae), Labcorp
Classification: Pathogenic for Hereditary breast ovarian cancer syndrome. Last evaluated: 2025-09-08. Review status: criteria provided, single submitter. Criteria: Invitae Variant Classification Sherloc (09022015). Collection method: clinical testing. Allele origin: germline. Not counted in ClinVar's aggregate classification.
Comment: This sequence change creates a premature translational stop signal (p.Asn417Lysfs*3) in the BRCA1 gene. It is expected to result in an absent or disrupted protein product. Loss-of-function variants in BRCA1 are known to be pathogenic (PMID: 20104584). This variant is not present in population databases (gnomAD no frequency). This premature translational stop signal has been observed in individual(s) with hereditary breast and ovarian cancer (PMID: 29446198). ClinVar contains an entry for this variant (Variation ID: 233760). For these reasons, this variant has been classified as Pathogenic.

Ambry Genetics
Classification: Pathogenic for Hereditary cancer-predisposing syndrome. Last evaluated: 2025-04-15. Review status: criteria provided, single submitter. Criteria: Ambry Variant Classification Scheme 2023. Collection method: clinical testing. Allele origin: germline. Not counted in ClinVar's aggregate classification.
Comment: The c.1251_1252delTGinsA pathogenic mutation, located in coding exon 9 of the BRCA1 gene, results from the deletion of two nucleotides and insertion of one nucleotide causing a translational frameshift with a predicted alternate stop codon (p.N417Kfs*3). This variant is considered to be rare based on population cohorts in the Genome Aggregation Database (gnomAD). This alteration is expected to result in loss of function by premature protein truncation or nonsense-mediated mRNA decay. As such, this alteration is interpreted as a disease-causing mutation.

Consortium of Investigators of Modifiers of BRCA1/2 (CIMBA), c/o University of Cambridge
Classification: Pathogenic for Breast-ovarian cancer, familial, susceptibility to, 1. Last evaluated: 2015-10-02. Review status: criteria provided, single submitter. Criteria: CIMBA Mutation Classification guidelines May 2016. Collection method: clinical testing. Allele origin: germline. Not counted in ClinVar's aggregate classification.

Literature cited by the submitters: PubMed 20104584 (cited by Labcorp Genetics (formerly Invitae), Labcorp); PubMed 29446198 (cited by Labcorp Genetics (formerly Invitae), Labcorp).

NM_007294.4(BRCA1):c.1251_1252delinsA (p.Asn417fs)

Gene: BRCA1 (BRCA1 DNA repair associated; minus strand). Cytogenetic location: 17q21.31.
Variant type: Indel.
Coding change: c.1251_1252delinsA on transcript NM_007294.4 (MANE Select); coding-DNA positions 1251 to 1252, TG replaced by A.
Protein change: p.Asn417fs; shifts the reading frame from asparagine 417.
Molecular consequence: frameshift variant. On other transcripts: intron variant (137).
Genome position (GRCh38, 1-based): chr17:43,094,279-43,094,280, CA replaced by T on the plus strand (TG replaced by A on the coding strand, the reverse complement: BRCA1 is on the minus strand). VCF-style: chr17-43094279-CA-T. GRCh37 (hg19) VCF-style: chr17-41246296-CA-T.
Other names: c.1110_1111delinsA, p.Asn370fs (NM_001407698.1, NM_001407724.1, NM_001407725.1 and 29 more transcripts); c.1107_1108delinsA, p.Asn369fs (NM_001407740.1, NM_001407741.1, NM_001407742.1 and 20 more transcripts); c.1038_1039delinsA, p.Asn346fs (NM_001407853.1, NM_001407894.1, NM_001407895.1 and 9 more transcripts); c.1251_1252delinsA, p.Asn417fs (NM_001407854.1, NM_001407858.1, NM_001407859.1 and 30 more transcripts); c.1248_1249delinsA, p.Asn416fs (NM_001407860.1, NM_001407861.1, NM_001407587.1 and 22 more transcripts); c.1050_1051delinsA, p.Asn350fs (NM_001407862.1); c.1128_1129delinsA, p.Asn376fs (NM_001407863.1, NM_001407919.1, NM_001407937.1 and 19 more transcripts); c.1047_1048delinsA, p.Asn349fs (NM_001407874.1, NM_001407875.1); and 40 more; short protein forms N417fs, N370fs, N289fs, N306fs, N376fs, N390fs, N414fs, N416fs.
Identifiers: ClinVar variation 267498 (VCV000267498.8), dbSNP rs886040899, ClinGen allele CA10602597.
Genomic context (GRCh38, chr17:43,094,279, plus strand): 5'-CATGAGGATCACTGGCCAGTAAGTCTATTTTCTCTGAAGAACCAGAATATTCATCTACCT[CA>T]TTTAGAACGTCCAATACATCAGCTACTTTGGCATTTGATTCAGACTCCCCATCATGTGAG-3'